The following is an entry in ClinVar:

NM_005422.4(TECTA):c.4315C>A (p.Leu1439Ile)

Genes: TBCEL-TECTA (TBCEL-TECTA readthrough; plus strand), TECTA (tectorin alpha; plus strand). Cytogenetic location: 11q23.3.
Variant type: single nucleotide variant.
Coding change: c.4315C>A on transcript NM_005422.4 (MANE Select); coding-DNA position 4315, C replaced by A.
Protein change: p.Leu1439Ile; replaces leucine 1439 with isoleucine.
Molecular consequence: missense variant.
Genome position (GRCh38, 1-based): chr11:121,157,850, C>A. VCF-style: chr11-121157850-C-A. GRCh37 (hg19) VCF-style: chr11-121028559-C-A.
Other names: c.5272C>A, p.Leu1758Ile (NM_001378761.1); short protein forms L1439I, L1758I.
Identifiers: ClinVar variation 227094 (VCV000227094.65), dbSNP rs202199158, ClinGen allele CA6327431.

ClinVar aggregate classification (germline): Conflicting classifications of pathogenicity. Review status: criteria provided, conflicting classifications (1 of 4 stars). 10 submissions from 9 submitters: Uncertain significance (1); Benign (4); Likely benign (4). 1 of the submissions does not count toward it. Last evaluated 2025-08-11.

Conditions:
TECTA-related disorder. Also called: TECTA-related condition.
Autosomal recessive nonsyndromic hearing loss 21. Identifiers: Orphanet 90636, MedGen C1863655, MONDO:0011351, OMIM 603629.
Autosomal dominant nonsyndromic hearing loss 12. Also called: DEAFNESS, AUTOSOMAL DOMINANT 8. Identifiers: Orphanet 90635, MedGen C1832187, MONDO:0011102, OMIM 601543.

Allele frequency attached by ClinVar (database versions not stated): gnomAD 0.00026 and 0.00035; TOPMed 0.00048; ExAC 0.00078; 1000 Genomes Project 0.00100; 1000 Genomes Project 30x 0.00109.
gnomAD v4.1: 439 of 1,614,148 alleles (0.027%); highest among the groups gnomAD compares: East Asian, 0.78%; 4 homozygotes.

Submissions (10):

Labcorp Genetics (formerly Invitae), Labcorp
Classification: Benign. Last evaluated: 2025-08-11. Review status: criteria provided, single submitter. Criteria: Invitae Variant Classification Sherloc (09022015). Collection method: clinical testing. Allele origin: germline.

CeGaT Center for Human Genetics Tuebingen
Classification: Benign. Last evaluated: 2025-02-01. Review status: criteria provided, single submitter. Criteria: CeGaT Center For Human Genetics Tuebingen Variant Classification Criteria Version 2. Collection method: clinical testing. Allele origin: germline. Affected: yes. Observed: 2 variant alleles.
Comment: TECTA: BS1, BS2

Blueprint Genetics
Classification: Likely benign. Last evaluated: 2024-09-10. Review status: criteria provided, single submitter. Criteria: ACMG Guidelines, 2015. Collection method: clinical testing. Allele origin: germline.

GeneDx
Classification: Likely benign. Last evaluated: 2020-11-05. Review status: criteria provided, single submitter. Criteria: GeneDx Variant Classification Process June 2021. Collection method: clinical testing. Allele origin: germline. Affected: yes.
Comment: This variant is associated with the following publications: (PMID: 23967202, 30245029, 28946916)

Illumina Laboratory Services, Illumina
Classification: Benign for Autosomal dominant nonsyndromic hearing loss 12. Last evaluated: 2018-01-13. Review status: criteria provided, single submitter. Criteria: ICSL Variant Classification Criteria 13 December 2019. Collection method: clinical testing. Allele origin: germline.
Comment: This variant was observed in the ICSL laboratory as part of a predisposition screen in an ostensibly healthy population. It had not been previously curated by ICSL or reported in the Human Gene Mutation Database (HGMD: prior to June 1st, 2018), and was therefore a candidate for classification through an automated scoring system. Utilizing variant allele frequency, disease prevalence and penetrance estimates, and inheritance mode, an automated score was calculated to assess if this variant is too frequent to cause the disease. Based on the score and internal cut-off values, a variant classified as benign is not then subjected to further curation. The score for this variant resulted in a classification of benign for this disease.

Illumina Laboratory Services, Illumina
Classification: Uncertain significance for Autosomal recessive nonsyndromic hearing loss 21. Last evaluated: 2018-01-13. Review status: criteria provided, single submitter. Criteria: ICSL Variant Classification Criteria 13 December 2019. Collection method: clinical testing. Allele origin: germline.

Eurofins Ntd Llc (ga)
Classification: Likely benign. Last evaluated: 2016-06-21. Review status: criteria provided, single submitter. Criteria: EGL Classification Definitions 2015. Collection method: clinical testing. Allele origin: germline. Observed: 1 variant allele, 1 heterozygote.

Laboratory for Molecular Medicine, Mass General Brigham Personalized Medicine
Classification: Benign. Last evaluated: 2015-11-05. Review status: criteria provided, single submitter. Criteria: LMM Criteria. Collection method: clinical testing. Allele origin: germline. Observed: 1 variant allele.
Comment: p.Leu1439Ile in exon 13 of TECTA: This variant is not expected to have clinical significance because it has been identified in 0.95% (82/8632) of East Asian chr omosomes by the Exome Aggregation Consortium (ExAC, rg;rs202199158).

Genetic Testing Center for Deafness, Department of Otolaryngology Head & Neck Surgery, Institute of Otolaryngology, Chinese PLA General Hospital
Classification: Likely benign for Autosomal dominant nonsyndromic hearing loss 12. Review status: criteria provided, single submitter. Criteria: ClinGen HL ACMG Specifications v1. Collection method: case-control. Allele origin: paternal. Affected: no. Observed: 2 variant alleles.

PreventionGenetics, part of Exact Sciences
Classification: Likely benign for TECTA-related condition. Last evaluated: 2020-10-27. Review status: no assertion criteria provided. Collection method: clinical testing. Allele origin: germline. Not counted in ClinVar's aggregate classification.
Comment: This variant is classified as likely benign based on ACMG/AMP sequence variant interpretation guidelines (Richards et al. 2015 PMID: 25741868, with internal and published modifications).

Literature cited by the submitters: PubMed 23967202 (cited by Laboratory for Molecular Medicine, Mass General Brigham Personalized Medicine).